The following is an entry in ClinVar:

ClinVar aggregate classification (germline): Uncertain significance (1 of 4 stars; one submission).

Conditions:
Mitochondrial DNA depletion syndrome 13. Also called: FBXL4-Related Encephalomyopathic Mitochondrial DNA Depletion Syndrome; Mitochondrial DNA depletion syndrome 13 (encephalomyopathic type). Identifiers: Orphanet 369897, MedGen C3809592, MONDO:0014198, OMIM 615471.

gnomAD v4.1: 6 of 1,613,960 alleles (0.00037%); highest among the groups gnomAD compares: South Asian, 0.0066%; no homozygotes.

Submission:

Wong Mito Lab, Molecular and Human Genetics, Baylor College of Medicine
Classification: Uncertain significance for Mitochondrial DNA depletion syndrome 13. Last evaluated: 2017-08-10. Review status: criteria provided, single submitter. Criteria: ACMG Guidelines, 2015. Collection method: reference population. Allele origin: germline.
Comment: The NM_012160.4:c.1172C>T (NP_036292.2:p.Thr391Ile) [GRCH38: NC_000006.12:g.98899413G>A] variant in FBXL4 gene is interpretated to be a Uncertain Significance - Insufficient Evidence based on ACMG guidelines (PMID: 25741868). This variant meets one or more of the following evidence codes reported in the ACMG-guideline. PM2:This variant is absent in key population databases. Based on this evidence code ClinGen Pathogenicity Calculator (PMID:28081714) suggested that the variant is Uncertain Significance - Insufficient Evidence.

NM_001278716.2(FBXL4):c.1172C>T (p.Thr391Ile)

Gene: FBXL4 (F-box and leucine rich repeat protein 4; minus strand). Cytogenetic location: 6q16.1.
Variant type: single nucleotide variant.
Coding change: c.1172C>T on transcript NM_001278716.2 (MANE Select); coding-DNA position 1172, C replaced by T.
Protein change: p.Thr391Ile; replaces threonine 391 with isoleucine.
Molecular consequence: missense variant. On other transcripts: non-coding transcript variant (2).
Genome position (GRCh38, 1-based): chr6:98,899,413, G>A on the plus strand (C>T on the coding strand, the complement: FBXL4 is on the minus strand). VCF-style: chr6-98899413-G-A. GRCh37 (hg19) VCF-style: chr6-99347289-G-A.
Other names: c.1172C>T, p.Thr391Ile (NM_012160.5); short protein forms T391I.
Identifiers: ClinVar variation 437707 (VCV000437707.1), dbSNP rs750610341, ClinGen allele CA3933509.